The following is an entry in ClinVar:

NM_015046.7(SETX):c.3931C>T (p.Arg1311Cys)

Gene: SETX (senataxin; minus strand). Cytogenetic location: 9q34.13.
Variant type: single nucleotide variant.
Coding change: c.3931C>T on transcript NM_015046.7 (MANE Select); coding-DNA position 3931, C replaced by T.
Protein change: p.Arg1311Cys; replaces arginine 1311 with cysteine.
Molecular consequence: missense variant.
Genome position (GRCh38, 1-based): chr9:132,327,667, G>A on the plus strand (C>T on the coding strand, the complement: SETX is on the minus strand). VCF-style: chr9-132327667-G-A. GRCh37 (hg19) VCF-style: chr9-135203054-G-A.
Other names: c.3931C>T, p.Arg1311Cys (NM_001351527.2, NM_001351528.2); c.3931C>T (NM_015046.5); short protein forms R1311C.
Identifiers: ClinVar variation 1440642 (VCV001440642.11), dbSNP rs773999398, ClinGen allele CA5297304.

ClinVar aggregate classification (germline): Uncertain significance. Review status: criteria provided, multiple submitters, no conflicts (2 of 4 stars). 3 submissions from 3 submitters: Uncertain significance (3). Last evaluated 2024-10-20.

Conditions:
Amyotrophic lateral sclerosis type 4 (ALS4). Also called: AMYOTROPHIC LATERAL SCLEROSIS 4, JUVENILE; NEURONOPATHY, DISTAL HEREDITARY MOTOR, WITH PYRAMIDAL FEATURES. Identifiers: Orphanet 357043, MedGen C1865409, MONDO:0011223, OMIM 602433.
Spinocerebellar ataxia, autosomal recessive, with axonal neuropathy 2 (SCAN2). Also called: Ataxia with Oculomotor Apraxia Type 2; ATAXIA-OCULOMOTOR APRAXIA 2; Ataxia-ocular apraxia-2; Ataxia with Oculomotor Apraxia. Identifiers: Orphanet 64753, MedGen C1853761, MONDO:0018996, OMIM 606002.
Inborn genetic diseases. Identifiers: MedGen C0950123, MeSH D030342.

Allele frequency attached by ClinVar (database versions not stated): gnomAD exomes below 0.00001 and 0.00001; ExAC 0.00001; gnomAD 0.00001; TOPMed 0.00002.
gnomAD v4.1: 16 of 1,613,694 alleles (0.00099%); highest among the groups gnomAD compares: Non-Finnish European, 0.0013%; no homozygotes.

Submissions (3):

Ambry Genetics
Classification: Uncertain significance for Inborn genetic diseases. Last evaluated: 2024-10-20. Review status: criteria provided, single submitter. Criteria: Ambry Variant Classification Scheme 2023. Collection method: clinical testing. Allele origin: germline.

Revvity Omics, Revvity
Classification: Uncertain significance. Last evaluated: 2024-01-29. Review status: criteria provided, single submitter. Criteria: ACMG Guidelines, 2015. Collection method: clinical testing. Allele origin: germline.

Labcorp Genetics (formerly Invitae), Labcorp
Classification: Uncertain significance for Amyotrophic lateral sclerosis type 4; Spinocerebellar ataxia, autosomal recessive, with axonal neuropathy 2. Last evaluated: 2022-02-27. Review status: criteria provided, single submitter. Criteria: Invitae Variant Classification Sherloc (09022015). Collection method: clinical testing. Allele origin: germline.
Comment: In summary, the available evidence is currently insufficient to determine the role of this variant in disease. Therefore, it has been classified as a Variant of Uncertain Significance. Advanced modeling of protein sequence and biophysical properties (such as structural, functional, and spatial information, amino acid conservation, physicochemical variation, residue mobility, and thermodynamic stability) performed at Invitae indicates that this missense variant is expected to disrupt SETX protein function. This variant has not been reported in the literature in individuals affected with SETX-related conditions. This variant is present in population databases (rs773999398, gnomAD 0.0009%). This sequence change replaces arginine, which is basic and polar, with cysteine, which is neutral and slightly polar, at codon 1311 of the SETX protein (p.Arg1311Cys).